The following is an entry in ClinVar:

ClinVar aggregate classification (germline): Uncertain significance. Review status: criteria provided, multiple submitters, no conflicts (2 of 4 stars). 4 submissions from 4 submitters: Uncertain significance (4). Last evaluated 2025-08-20.

Conditions:
Hereditary cancer-predisposing syndrome. Also called: Neoplastic Syndromes, Hereditary; Tumor predisposition; Hereditary Cancer Syndrome; Hereditary neoplastic syndrome. Identifiers: Orphanet 140162, MedGen C0027672, MeSH D009386, MONDO:0015356.
Hirschsprung disease, susceptibility to, 1 (HSCR1). Also called: RET-Related Hirschsprung Disease. Identifiers: Orphanet 388, MedGen C3888239, MONDO:0007723, OMIM 142623.
Multiple endocrine neoplasia, type 2 (MEN2). Identifiers: Orphanet 653, MedGen C4048306, MONDO:0019003. Disease mechanism: gain of function.

Allele frequency attached by ClinVar (database versions not stated): gnomAD exomes below 0.00001.
gnomAD v4.1: 1 of 1,612,486 alleles (0.000062%); highest among the groups gnomAD compares: Non-Finnish European, 0.000085%; no homozygotes.

Submissions (4):

Color Diagnostics, LLC DBA Color Health
Classification: Uncertain significance for Multiple endocrine neoplasia, type 2. Last evaluated: 2025-08-20. Review status: criteria provided, single submitter. Criteria: ACMG Guidelines, 2015. Collection method: clinical testing. Allele origin: germline.
Comment: This missense variant replaces arginine with cysteine at codon 693 of the RET protein. Computational prediction is inconclusive regarding the impact of this variant on protein structure and function. To our knowledge, functional studies have not been reported for this variant. This variant has not been reported in individuals affected with RET-related disorders in the literature. A study has detected this variant frequently in thyroid cancer samples of unknown somatic and/or germline origins (PMID: 39235852). This variant has not been identified in the general population by the Genome Aggregation Database (gnomAD). The available evidence is insufficient to determine the role of this variant in disease conclusively. Therefore, this variant is classified as a Variant of Uncertain Significance.

Labcorp Genetics (formerly Invitae), Labcorp
Classification: Uncertain significance for Multiple endocrine neoplasia, type 2. Last evaluated: 2024-07-19. Review status: criteria provided, single submitter. Criteria: Invitae Variant Classification Sherloc (09022015). Collection method: clinical testing. Allele origin: germline.
Comment: This sequence change replaces arginine, which is basic and polar, with cysteine, which is neutral and slightly polar, at codon 693 of the RET protein (p.Arg693Cys). This variant is not present in population databases (gnomAD no frequency). This variant has not been reported in the literature in individuals affected with RET-related conditions. ClinVar contains an entry for this variant (Variation ID: 1785477). An algorithm developed to predict the effect of missense changes on protein structure and function (PolyPhen-2) suggests that this variant is likely to be disruptive. In summary, the available evidence is currently insufficient to determine the role of this variant in disease. Therefore, it has been classified as a Variant of Uncertain Significance.

Ambry Genetics
Classification: Uncertain significance for Hereditary cancer-predisposing syndrome. Last evaluated: 2024-04-26. Review status: criteria provided, single submitter. Criteria: Ambry Variant Classification Scheme 2023. Collection method: clinical testing. Allele origin: germline.
Comment: The p.R693C variant (also known as c.2077C>T), located in coding exon 11 of the RET gene, results from a C to T substitution at nucleotide position 2077. The arginine at codon 693 is replaced by cysteine, an amino acid with highly dissimilar properties. This amino acid position is highly conserved in available vertebrate species. In addition, this alteration is predicted to be deleterious by in silico analysis. Based on the available evidence, the clinical significance of this variant remains unclear.

Baylor Genetics
Classification: Uncertain significance for Hirschsprung disease, susceptibility to, 1. Last evaluated: 2023-08-23. Review status: criteria provided, single submitter. Criteria: ACMG Guidelines, 2015. Collection method: clinical testing. Allele origin: unknown.

Literature cited by the submitters: PubMed 39235852 (cited by Color Diagnostics, LLC DBA Color Health); PubMed 25425582 (cited by Ambry Genetics).

NM_020975.6(RET):c.2077C>T (p.Arg693Cys)

Gene: RET (ret proto-oncogene; plus strand). Cytogenetic location: 10q11.21.
Variant type: single nucleotide variant.
Coding change: c.2077C>T on transcript NM_020975.6 (MANE Select); coding-DNA position 2077, C replaced by T.
Protein change: p.Arg693Cys; replaces arginine 693 with cysteine.
Molecular consequence: missense variant.
Genome position (GRCh38, 1-based): chr10:43,114,677, C>T. VCF-style: chr10-43114677-C-T. GRCh37 (hg19) VCF-style: chr10-43610125-C-T.
Other names: c.2077C>T, p.Arg693Cys (NM_000323.2, NM_001406743.1, NM_001406744.1 and 4 more transcripts); c.1315C>T, p.Arg439Cys (NM_001355216.2); c.1948C>T, p.Arg650Cys (NM_001406761.1, NM_001406762.1, NM_001406764.1); c.1942C>T, p.Arg648Cys (NM_001406763.1, NM_001406765.1); c.1789C>T, p.Arg597Cys (NM_001406766.1, NM_001406767.1, NM_001406770.1); c.1813C>T, p.Arg605Cys (NM_001406768.1); c.1681C>T, p.Arg561Cys (NM_001406769.1, NM_001406772.1); c.1639C>T, p.Arg547Cys (NM_001406771.1, NM_001406773.1); and 10 more; short protein forms R349C, R451C, R605C, R258C, R298C, R439C, R597C, R351C.
Identifiers: ClinVar variation 1785477 (VCV001785477.10), dbSNP rs2132853062, ClinGen allele CA376553264.